The following is an entry in ClinVar:

ClinVar aggregate classification (germline): Pathogenic (1 of 4 stars; one submission).

Submission:

Labcorp Genetics (formerly Invitae), Labcorp
Classification: Pathogenic. Last evaluated: 2023-06-25. Review status: criteria provided, single submitter. Criteria: Invitae Variant Classification Sherloc (09022015). Collection method: clinical testing. Allele origin: germline.
Comment: This sequence change creates a premature translational stop signal (p.Ala5Leufs*24) in the MTTP gene. It is expected to result in an absent or disrupted protein product. Loss-of-function variants in MTTP are known to be pathogenic (PMID: 8533758, 9671739). This variant is not present in population databases (gnomAD no frequency). This variant has not been reported in the literature in individuals affected with MTTP-related conditions. For these reasons, this variant has been classified as Pathogenic.

Literature cited by the submitters: PubMed 8533758; PubMed 9671739.

NM_001386140.1(MTTP):c.9del (p.Ala5fs)

Gene: MTTP (microsomal triglyceride transfer protein; plus strand). Cytogenetic location: 4q23.
Variant type: Deletion.
Coding change: c.9del on transcript NM_001386140.1 (MANE Select); coding-DNA position 9, one base deleted (T; older notation c.9delT).
Protein change: p.Ala5fs; shifts the reading frame from alanine 5.
Molecular consequence: frameshift variant. On other transcripts: intron variant (1).
Genome position (GRCh38, 1-based): chr4:99,574,918, T deleted; the last of 2 consecutive T bases (chr4:99,574,917-99,574,918); deleting either gives the same sequence. VCF-style (leftmost placement, unchanged base first): chr4-99574916-CT-C. GRCh37 (hg19) VCF-style: chr4-100496073-CT-C.
Other names: c.9del, p.Ala5fs (NM_000253.4); c.-188-6987del (NM_001300785.2); short protein forms A5fs.
Identifiers: ClinVar variation 2728721 (VCV002728721.3), dbSNP rs2476074113, ClinGen allele CA2697546806.